The following is an entry in ClinVar:

ClinVar aggregate classification (germline): Uncertain significance. Review status: criteria provided, multiple submitters, no conflicts (2 of 4 stars). 6 submissions from 6 submitters: Uncertain significance (6). Last evaluated 2024-12-24.

Conditions:
Hereditary nonpolyposis colorectal neoplasms. Identifiers: MedGen C0009405, MeSH D003123.
Hereditary cancer-predisposing syndrome. Also called: Neoplastic Syndromes, Hereditary; Hereditary Cancer Syndrome; Tumor predisposition; Hereditary neoplastic syndrome. Identifiers: Orphanet 140162, MedGen C0027672, MeSH D009386, MONDO:0015356.
Lynch syndrome 5 (LYNCH5). Also called: Colorectal cancer, hereditary nonpolyposis, type 5; Hereditary non-polyposis colorectal cancer, type 5. Identifiers: Orphanet 144, MedGen C1833477, MONDO:0013710, OMIM 614350. Disease mechanism: loss of function.
Endometrial carcinoma. Also called: Endometrial carcinoma, somatic. Identifiers: MedGen C0476089, MONDO:0002447, OMIM 608089, HP:0012114.

Allele frequency attached by ClinVar (database versions not stated): gnomAD exomes below 0.00001.
gnomAD v4.1: 1 of 1,614,164 alleles (0.000062%); highest among the groups gnomAD compares: Admixed American, 0.0017%; no homozygotes.

Submissions (6):

Labcorp Genetics (formerly Invitae), Labcorp
Classification: Uncertain significance for Hereditary nonpolyposis colorectal neoplasms. Last evaluated: 2024-12-24. Review status: criteria provided, single submitter. Criteria: Invitae Variant Classification Sherloc (09022015). Collection method: clinical testing. Allele origin: germline.
Comment: This sequence change replaces histidine, which is basic and polar, with tyrosine, which is neutral and polar, at codon 351 of the MSH6 protein (p.His351Tyr). This variant is not present in population databases (gnomAD no frequency). This missense change has been observed in individual(s) with breast cancer and sarcoma (PMID: 34326862). ClinVar contains an entry for this variant (Variation ID: 127553). Invitae Evidence Modeling of protein sequence and biophysical properties (such as structural, functional, and spatial information, amino acid conservation, physicochemical variation, residue mobility, and thermodynamic stability) indicates that this missense variant is not expected to disrupt MSH6 protein function with a negative predictive value of 95%. In summary, the available evidence is currently insufficient to determine the role of this variant in disease. Therefore, it has been classified as a Variant of Uncertain Significance.

Dasa
Classification: Uncertain significance for Lynch syndrome 5. Last evaluated: 2024-12-11. Review status: criteria provided, single submitter. Criteria: DASA Assertion Criteria. Collection method: clinical testing. Allele origin: germline.
Comment: NM_000179.3(MSH6):c.1051C>T (p.His351Tyr) is a missense variant that results in the substitution of histidine with tyrosine. This variant is rare in population databases. Computational prediction algorithms are consistent with a benign effect. The currently available literature and clinical evidence are not sufficient to establish a definitive association between this variant and the reported condition. Therefore, this variant is classified as a variant of uncertain significance.

GeneDx
Classification: Uncertain significance. Last evaluated: 2024-02-09. Review status: criteria provided, single submitter. Criteria: GeneDx Variant Classification Process June 2021. Collection method: clinical testing. Allele origin: germline. Affected: yes.
Comment: Not observed at significant frequency in large population cohorts (gnomAD); In silico analysis supports that this missense variant does not alter protein structure/function; Observed in an individual with a personal and/or family history of breast, ovarian, and other cancers (PMID: 34326862); This variant is associated with the following publications: (PMID: 21437237, 34326862)

Baylor Genetics
Classification: Uncertain significance for Endometrial carcinoma. Last evaluated: 2023-10-03. Review status: criteria provided, single submitter. Criteria: ACMG Guidelines, 2015. Collection method: clinical testing. Allele origin: unknown.

Color Diagnostics, LLC DBA Color Health
Classification: Uncertain significance for Hereditary cancer-predisposing syndrome. Last evaluated: 2021-09-07. Review status: criteria provided, single submitter. Criteria: ACMG Guidelines, 2015. Collection method: clinical testing. Allele origin: germline.
Comment: This missense variant replaces histidine with tyrosine at codon 351 of the MSH6 protein. Computational prediction suggests that this variant may not impact protein structure and function (internally defined REVEL score threshold <= 0.5, PMID: 27666373). To our knowledge, functional studies have not been reported for this variant. This variant has not been reported in individuals affected with hereditary cancer in the literature. This variant has not been identified in the general population by the Genome Aggregation Database (gnomAD). The available evidence is insufficient to determine the role of this variant in disease conclusively. Therefore, this variant is classified as a Variant of Uncertain Significance.

Ambry Genetics
Classification: Uncertain significance for Hereditary cancer-predisposing syndrome. Last evaluated: 2021-03-31. Review status: criteria provided, single submitter. Criteria: Ambry Variant Classification Scheme 2023. Collection method: clinical testing. Allele origin: germline.
Comment: The p.H351Y variant (also known as c.1051C>T), located in coding exon 4 of the MSH6 gene, results from a C to T substitution at nucleotide position 1051. The histidine at codon 351 is replaced by tyrosine, an amino acid with similar properties. This amino acid position is not well conserved in available vertebrate species. In addition, this alteration is predicted to be tolerated by in silico analysis. Since supporting evidence is limited at this time, the clinical significance of this alteration remains unclear.

Literature cited by the submitters: PubMed 34326862 (cited by Labcorp Genetics (formerly Invitae), Labcorp).

NM_000179.3(MSH6):c.1051C>T (p.His351Tyr)

Gene: MSH6 (mutS homolog 6; plus strand). Cytogenetic location: 2p16.3.
Variant type: single nucleotide variant.
Coding change: c.1051C>T on transcript NM_000179.3 (MANE Select); coding-DNA position 1051, C replaced by T.
Protein change: p.His351Tyr; replaces histidine 351 with tyrosine.
Molecular consequence: missense variant.
Genome position (GRCh38, 1-based): chr2:47,799,034, C>T. VCF-style: chr2-47799034-C-T. GRCh37 (hg19) VCF-style: chr2-48026173-C-T.
Other names: p.H351Y:CAC>TAC; c.661C>T, p.His221Tyr (NM_001281492.2); c.145C>T, p.His49Tyr (NM_001281493.2, NM_001281494.2); short protein forms H351Y, H221Y, H49Y.
Identifiers: ClinVar variation 127553 (VCV000127553.18), dbSNP rs587779911, ClinGen allele CA007886.